The following is an entry in ClinVar:

ClinVar aggregate classification (germline): Uncertain significance (1 of 4 stars; one submission).

Conditions:
Inborn genetic diseases. Identifiers: MedGen C0950123, MeSH D030342.

gnomAD v4.1: 1 of 1,614,220 alleles (0.000062%); no homozygotes.

Submission:

Ambry Genetics
Classification: Uncertain significance for Inborn genetic diseases. Last evaluated: 2018-04-30. Review status: criteria provided, single submitter. Criteria: Ambry Variant Classification Scheme 2023. Collection method: clinical testing. Allele origin: germline.
Comment: The p.A1563T variant (also known as c.4687G>A), located in coding exon 32 of the SMARCA2 gene, results from a G to A substitution at nucleotide position 4687. The alanine at codon 1563 is replaced by threonine, an amino acid with similar properties. This amino acid position is well conserved in available vertebrate species. In addition, the in silico prediction for this alteration is inconclusive. Since supporting evidence is limited at this time, the clinical significance of this alteration remains unclear.

NM_003070.5(SMARCA2):c.4687G>A (p.Ala1563Thr)

Gene: SMARCA2 (SWI/SNF related BAF chromatin remodeling complex subunit ATPase 2; plus strand). Cytogenetic location: 9p24.3.
Variant type: single nucleotide variant.
Coding change: c.4687G>A on transcript NM_003070.5 (MANE Select); coding-DNA position 4687, G replaced by A.
Protein change: p.Ala1563Thr; replaces alanine 1563 with threonine.
Molecular consequence: missense variant.
Genome position (GRCh38, 1-based): chr9:2,191,358, G>A. VCF-style: chr9-2191358-G-A. GRCh37 (hg19) VCF-style: chr9-2191358-G-A.
Other names: c.4687G>A, p.Ala1563Thr (NM_001289396.2); c.4459G>A, p.Ala1487Thr (NM_001289397.2); c.661G>A, p.Ala221Thr (NM_001289398.2); c.745G>A, p.Ala249Thr (NM_001289399.2); c.751G>A, p.Ala251Thr (NM_001289400.2); c.4633G>A, p.Ala1545Thr (NM_139045.4); short protein forms A251T, A1487T, A1545T, A249T, A1563T, A221T.
Identifiers: ClinVar variation 1742424 (VCV001742424.2), dbSNP rs1178649368, ClinGen allele CA372792772.